The following is an entry in ClinVar:

NM_001853.4(COL9A3):c.38T>C (p.Leu13Pro)

Gene: COL9A3 (collagen type IX alpha 3 chain; plus strand). Cytogenetic location: 20q13.33.
Variant type: single nucleotide variant.
Coding change: c.38T>C on transcript NM_001853.4 (MANE Select); coding-DNA position 38, T replaced by C.
Protein change: p.Leu13Pro; replaces leucine 13 with proline.
Molecular consequence: missense variant.
Genome position (GRCh38, 1-based): chr20:62,817,102, T>C. VCF-style: chr20-62817102-T-C. GRCh37 (hg19) VCF-style: chr20-61448454-T-C.
Other names: short protein forms L13P.
Identifiers: ClinVar variation 2784581 (VCV002784581.3), dbSNP rs1415856991, ClinGen allele CA409586805.

ClinVar aggregate classification (germline): Uncertain significance (1 of 4 stars; one submission).

Allele frequency attached by ClinVar (database versions not stated): TOPMed 0.00001.
gnomAD v4.1: 2 of 1,404,982 alleles (0.00014%); highest among the groups gnomAD compares: Admixed American, 0.0025%; no homozygotes.

Submission:

Labcorp Genetics (formerly Invitae), Labcorp
Classification: Uncertain significance. Last evaluated: 2024-06-20. Review status: criteria provided, single submitter. Criteria: Invitae Variant Classification Sherloc (09022015). Collection method: clinical testing. Allele origin: germline.
Comment: This sequence change replaces leucine, which is neutral and non-polar, with proline, which is neutral and non-polar, at codon 13 of the COL9A3 protein (p.Leu13Pro). The frequency data for this variant in the population databases is considered unreliable, as metrics indicate poor data quality at this position in the gnomAD database. This variant has not been reported in the literature in individuals affected with COL9A3-related conditions. Advanced modeling of protein sequence and biophysical properties (such as structural, functional, and spatial information, amino acid conservation, physicochemical variation, residue mobility, and thermodynamic stability) performed at Invitae indicates that this missense variant is not expected to disrupt COL9A3 protein function with a negative predictive value of 95%. In summary, the available evidence is currently insufficient to determine the role of this variant in disease. Therefore, it has been classified as a Variant of Uncertain Significance.